The following is an entry in ClinVar:

NM_001458.5(FLNC):c.1053C>T (p.Thr351=)

Gene: FLNC (filamin C; plus strand). Cytogenetic location: 7q32.1.
Variant type: single nucleotide variant.
Coding change: c.1053C>T on transcript NM_001458.5 (MANE Select); coding-DNA position 1053, C replaced by T.
Protein change: p.Thr351=; no amino-acid change (threonine 351 retained).
Molecular consequence: synonymous variant.
Genome position (GRCh38, 1-based): chr7:128,838,272, C>T. VCF-style: chr7-128838272-C-T. GRCh37 (hg19) VCF-style: chr7-128478326-C-T.
Other names: p.Thr351=; c.1053C>T, p.Thr351= (NM_001127487.2).
Identifiers: ClinVar variation 515488 (VCV000515488.19), dbSNP rs375071103, ClinGen allele CA4474223.

ClinVar aggregate classification (germline): Likely benign. Review status: criteria provided, multiple submitters, no conflicts (2 of 4 stars). 6 submissions from 6 submitters: Likely benign (6). Last evaluated 2026-01-21.

Conditions:
FLNC-related disorder. Also called: FLNC-related condition; FLNC-related disorders.
Hypertrophic cardiomyopathy 26. Also called: Cardiomyopathy, familial hypertrophic, 26. Identifiers: Orphanet 75249, MedGen C4310749, MONDO:0014883, OMIM 617047.
Myofibrillar myopathy 5. Also called: FILAMINOPATHY, AUTOSOMAL DOMINANT; Filaminopathy (type). Identifiers: Orphanet 171445, MedGen C1836050, MONDO:0012289, OMIM 609524.
Distal myopathy with posterior leg and anterior hand involvement. Also called: WILLIAMS DISTAL MYOPATHY. Identifiers: Orphanet 63273, MedGen C3279722, MONDO:0013550, OMIM 614065.
Cardiovascular phenotype. Identifiers: MedGen CN230736.

Allele frequency attached by ClinVar (database versions not stated): gnomAD exomes 0.00002 and 0.00007; ExAC 0.00003; gnomAD 0.00005 and 0.00007; TOPMed 0.00005; ESP Exome Variant Server 0.00016.
gnomAD v4.1: 112 of 1,613,780 alleles (0.0069%); highest among the groups gnomAD compares: Non-Finnish European, 0.0085%; no homozygotes.

Submissions (6):

PreventionGenetics, part of Exact Sciences
Classification: Likely benign for FLNC-related condition. Last evaluated: 2026-01-21. Review status: criteria provided, single submitter. Criteria: ACMG Guidelines, 2015. Collection method: clinical testing. Allele origin: germline.
Comment: This variant is classified as likely benign based on ACMG/AMP sequence variant interpretation guidelines (Richards et al. 2015 PMID: 25741868, with internal and published modifications).

Labcorp Genetics (formerly Invitae), Labcorp
Classification: Likely benign for Distal myopathy with posterior leg and anterior hand involvement; Myofibrillar myopathy 5; Hypertrophic cardiomyopathy 26. Last evaluated: 2025-12-23. Review status: criteria provided, single submitter. Criteria: Invitae Variant Classification Sherloc (09022015). Collection method: clinical testing. Allele origin: germline.

Mayo Clinic Laboratories, Mayo Clinic
Classification: Likely benign. Last evaluated: 2025-04-18. Review status: criteria provided, single submitter. Criteria: ACMG Guidelines, 2015. Collection method: clinical testing. Allele origin: germline. Observed: 1 variant allele.
Comment: BP4, BP7

Blueprint Genetics
Classification: Likely benign. Last evaluated: 2023-06-28. Review status: criteria provided, single submitter. Criteria: ACMG Guidelines, 2015. Collection method: clinical testing. Allele origin: germline.

GeneDx
Classification: Likely benign. Last evaluated: 2019-06-28. Review status: criteria provided, single submitter. Criteria: GeneDx Variant Classification Process June 2021. Collection method: clinical testing. Allele origin: germline. Affected: yes.

Ambry Genetics
Classification: Likely benign for Cardiovascular phenotype. Last evaluated: 2019-06-04. Review status: criteria provided, single submitter. Criteria: Ambry Variant Classification Scheme 2023. Collection method: clinical testing. Allele origin: germline.